The following is an entry in ClinVar:

ClinVar aggregate classification (germline): Uncertain significance (1 of 4 stars; one submission).

Submission:

Labcorp Genetics (formerly Invitae), Labcorp
Classification: Uncertain significance. Last evaluated: 2025-08-20. Review status: criteria provided, single submitter. Criteria: Invitae Variant Classification Sherloc (09022015). Collection method: clinical testing. Allele origin: germline.
Comment: This sequence change replaces proline, which is neutral and non-polar, with serine, which is neutral and polar, at codon 245 of the NEUROD1 protein (p.Pro245Ser). This variant is present in population databases (no rsID available, gnomAD 0.003%). This variant has not been reported in the literature in individuals affected with NEUROD1-related conditions. An algorithm developed to predict the effect of missense changes on protein structure and function (PolyPhen-2) suggests that this variant is likely to be disruptive. In summary, the available evidence is currently insufficient to determine the role of this variant in disease. Therefore, it has been classified as a Variant of Uncertain Significance.

NM_002500.5(NEUROD1):c.733C>T (p.Pro245Ser)

Gene: NEUROD1 (neuronal differentiation 1; minus strand). Cytogenetic location: 2q31.3.
Variant type: single nucleotide variant.
Coding change: c.733C>T on transcript NM_002500.5 (MANE Select); coding-DNA position 733, C replaced by T.
Protein change: p.Pro245Ser; replaces proline 245 with serine.
Molecular consequence: missense variant.
Genome position (GRCh38, 1-based): chr2:181,678,128, G>A on the plus strand (C>T on the coding strand, the complement: NEUROD1 is on the minus strand). VCF-style: chr2-181678128-G-A. GRCh37 (hg19) VCF-style: chr2-182542855-G-A.
Other names: short protein forms P245S.
Identifiers: ClinVar variation 4775762 (VCV004775762.1).